The following is an entry in ClinVar:

ClinVar aggregate classification (germline): Uncertain significance (1 of 4 stars; one submission).

Conditions:
Hyperkalemic periodic paralysis. Also called: Familial hyperkalemic periodic paralysis; Gamstorp disease. Identifiers: Orphanet 682, MedGen C0238357, MONDO:0008224, OMIM 170500, HP:0007215.

Submission:

Labcorp Genetics (formerly Invitae), Labcorp
Classification: Uncertain significance for Hyperkalemic periodic paralysis. Last evaluated: 2025-08-29. Review status: criteria provided, single submitter. Criteria: Invitae Variant Classification Sherloc (09022015). Collection method: clinical testing. Allele origin: germline.
Comment: This sequence change replaces isoleucine, which is neutral and non-polar, with valine, which is neutral and non-polar, at codon 1418 of the SCN4A protein (p.Ile1418Val). This variant is not present in population databases (gnomAD no frequency). This missense change has been observed in individual(s) with autosomal recessive SCN4A-related conditions (PMID: 35670010). Invitae Evidence Modeling of protein sequence and biophysical properties (such as structural, functional, and spatial information, amino acid conservation, physicochemical variation, residue mobility, and thermodynamic stability) indicates that this missense variant is not expected to disrupt SCN4A protein function with a negative predictive value of 95%. In summary, the available evidence is currently insufficient to determine the role of this variant in disease. Therefore, it has been classified as a Variant of Uncertain Significance.

Literature cited by the submitters: PubMed 35670010.

NM_000334.4(SCN4A):c.4252A>G (p.Ile1418Val)

Genes: GH-LCR (growth hormone locus control region; plus strand), SCN4A (sodium voltage-gated channel alpha subunit 4; minus strand). Cytogenetic location: 17q23.3.
Variant type: single nucleotide variant.
Coding change: c.4252A>G on transcript NM_000334.4 (MANE Select); coding-DNA position 4252, A replaced by G.
Protein change: p.Ile1418Val; replaces isoleucine 1418 with valine.
Molecular consequence: missense variant.
Genome position (GRCh38, 1-based): chr17:63,942,862, T>C on the plus strand (A>G on the coding strand, the complement: SCN4A is on the minus strand). VCF-style: chr17-63942862-T-C. GRCh37 (hg19) VCF-style: chr17-62020222-T-C.
Other names: short protein forms I1418V.
Identifiers: ClinVar variation 4754640 (VCV004754640.1).